The following is an entry in ClinVar:

NM_000037.4(ANK1):c.3116-2A>G

Gene: ANK1 (ankyrin 1; minus strand). Cytogenetic location: 8p11.21.
Variant type: single nucleotide variant.
Coding change: c.3116-2A>G on transcript NM_000037.4 (MANE Select); the canonical splice acceptor site of the intron before coding-DNA position 3116, A replaced by G.
Molecular consequence: splice acceptor variant.
Genome position (GRCh38, 1-based): chr8:41,694,805, T>C on the plus strand (A>G on the coding strand, the complement: ANK1 is on the minus strand). VCF-style: chr8-41694805-T-C. GRCh37 (hg19) VCF-style: chr8-41552323-T-C.
Other names: c.3239-2A>G (NM_001142446.2); c.3116-2A>G (NM_020477.3, NM_020475.3, NM_020476.3).
Identifiers: ClinVar variation 3766903 (VCV003766903.1).

ClinVar aggregate classification (germline): Likely pathogenic (1 of 4 stars; one submission).

Conditions:
Hereditary spherocytosis type 1. Also called: Spherocytosis type 1; ANK1-Related Spherocytosis. Identifiers: Orphanet 822, MedGen C2674218, MONDO:0008447, OMIM 182900.

Submission:

ARUP Laboratories, Molecular Genetics and Genomics, ARUP Laboratories
Classification: Likely pathogenic for Hereditary spherocytosis type 1. Last evaluated: 2024-10-16. Review status: criteria provided, single submitter. Criteria: ARUP Molecular Germline Variant Investigation Process 2024. Collection method: clinical testing. Allele origin: germline.
Comment: The ANK1 c.3116-2A>G variant, to our knowledge, is not reported in the medical literature or gene specific databases. This variant is also absent from the Genome Aggregation Database (v2.1.1), indicating it is not a common polymorphism. This variant disrupts the canonical splice acceptor site of intron 27, which is likely to negatively impact gene function. Based on available information, this variant is considered to be likely pathogenic.